The following is an entry in ClinVar:

NM_002519.3(NPAT):c.1516G>A (p.Asp506Asn)

Gene: NPAT (nuclear protein, coactivator of histone transcription; minus strand). Cytogenetic location: 11q22.3.
Variant type: single nucleotide variant.
Coding change: c.1516G>A on transcript NM_002519.3 (MANE Select); coding-DNA position 1516, G replaced by A.
Protein change: p.Asp506Asn; replaces aspartic acid 506 with asparagine.
Molecular consequence: missense variant.
Genome position (GRCh38, 1-based): chr11:108,173,468, C>T on the plus strand (G>A on the coding strand, the complement: NPAT is on the minus strand). VCF-style: chr11-108173468-C-T. GRCh37 (hg19) VCF-style: chr11-108044195-C-T.
Other names: c.1516G>A, p.Asp506Asn (NM_001321307.1); short protein forms D506N.
Identifiers: ClinVar variation 1774325 (VCV001774325.2), dbSNP rs2496720999, ClinGen allele CA382514962.

ClinVar aggregate classification (germline): Uncertain significance (1 of 4 stars; one submission).

Submission:

Ambry Genetics
Classification: Uncertain significance. Last evaluated: 2021-09-02. Review status: criteria provided, single submitter. Criteria: Ambry Variant Classification Scheme 2023. Collection method: clinical testing. Allele origin: germline.
Comment: The p.D506N variant (also known as c.1516G>A), located in coding exon 13 of the NPAT gene, results from a G to A substitution at nucleotide position 1516. The aspartic acid at codon 506 is replaced by asparagine, an amino acid with highly similar properties. This amino acid position is conserved. In addition, this alteration is predicted to be tolerated by in silico analysis. Since supporting evidence is limited at this time, the clinical significance of this alteration remains unclear.